The following is an entry in ClinVar:

ClinVar aggregate classification (germline): Benign. Review status: criteria provided, multiple submitters, no conflicts (2 of 4 stars). 6 submissions from 6 submitters: Benign (6). Last evaluated 2026-02-03.

Conditions:
Spastic ataxia 2. Also called: Ataxia, spastic, 2, autosomal recessive. Identifiers: Orphanet 397946, MedGen C1969796, MONDO:0012651, OMIM 611302.

Allele frequency attached by ClinVar (database versions not stated): ESP Exome Variant Server 0.66436; gnomAD 0.66831 and 0.67297; TOPMed 0.67312; 1000 Genomes Project 0.67512; 1000 Genomes Project 30x 0.67598; ExAC 0.71428; gnomAD exomes 0.71708 and 0.72136.
gnomAD v4.1: 1,155,767 of 1,613,210 alleles (72%); highest among the groups gnomAD compares: South Asian, 81%; 416,215 homozygotes.

Submissions (6):

Labcorp Genetics (formerly Invitae), Labcorp
Classification: Benign for Spastic ataxia 2. Last evaluated: 2026-02-03. Review status: criteria provided, single submitter. Criteria: Invitae Variant Classification Sherloc (09022015). Collection method: clinical testing. Allele origin: germline.

Blueprint Genetics
Classification: Benign. Last evaluated: 2024-11-28. Review status: criteria provided, single submitter. Criteria: ACMG Guidelines, 2015. Collection method: clinical testing. Allele origin: germline.

Mayo Clinic Laboratories, Mayo Clinic
Classification: Benign. Last evaluated: 2022-03-24. Review status: criteria provided, single submitter. Criteria: ACMG Guidelines, 2015. Collection method: clinical testing. Allele origin: germline. Observed: 439 variant alleles.

Genome-Nilou Lab
Classification: Benign for Spastic ataxia 2. Last evaluated: 2021-08-19. Review status: criteria provided, single submitter. Criteria: ACMG Guidelines, 2015. Collection method: clinical testing. Allele origin: germline. Affected: no.

GeneDx
Classification: Benign. Last evaluated: 2016-01-22. Review status: criteria provided, single submitter. Criteria: GeneDx Variant Classification (06012015). Collection method: clinical testing. Allele origin: germline. Affected: yes.
Comment: This variant is considered likely benign or benign based on one or more of the following criteria: it is a conservative change, it occurs at a poorly conserved position in the protein, it is predicted to be benign by multiple in silico algorithms, and/or has population frequency not consistent with disease.

Breakthrough Genomics
Classification: Benign. Review status: criteria provided, single submitter. Criteria: ACMG Guidelines, 2015. Collection method: not provided. Allele origin: germline. Inheritance: Autosomal recessive inheritance. Affected: yes.

NM_006612.6(KIF1C):c.2748A>G (p.Pro916=)

Gene: KIF1C (kinesin family member 1C; plus strand). Cytogenetic location: 17p13.2.
Variant type: single nucleotide variant.
Coding change: c.2748A>G on transcript NM_006612.6 (MANE Select); coding-DNA position 2748, A replaced by G.
Protein change: p.Pro916=; no amino-acid change (proline 916 retained).
Molecular consequence: synonymous variant.
Genome position (GRCh38, 1-based): chr17:5,023,587, A>G. VCF-style: chr17-5023587-A-G. GRCh37 (hg19) VCF-style: chr17-4926882-A-G.
Other names: p.Pro916=.
Identifiers: ClinVar variation 380827 (VCV000380827.16), dbSNP rs346828, ClinGen allele CA8319379.